The following is an entry in ClinVar:

ClinVar aggregate classification (germline): Uncertain significance (1 of 4 stars; one submission).

Conditions:
Cohen syndrome (COH1). Also called: PEPPER SYNDROME; Cutis verticis gyrata, retinitis pigmentosa, and sensorineural deafness. Identifiers: Orphanet 193, MedGen C0265223, MONDO:0008999, OMIM 216550.

Submission:

Labcorp Genetics (formerly Invitae), Labcorp
Classification: Uncertain significance for Cohen syndrome. Last evaluated: 2024-07-30. Review status: criteria provided, single submitter. Criteria: Invitae Variant Classification Sherloc (09022015). Collection method: clinical testing. Allele origin: germline.
Comment: This sequence change replaces cysteine, which is neutral and slightly polar, with tryptophan, which is neutral and slightly polar, at codon 2378 of the VPS13B protein (p.Cys2378Trp). This variant is not present in population databases (gnomAD no frequency). This variant has not been reported in the literature in individuals affected with VPS13B-related conditions. Advanced modeling of protein sequence and biophysical properties (such as structural, functional, and spatial information, amino acid conservation, physicochemical variation, residue mobility, and thermodynamic stability) performed at Invitae indicates that this missense variant is expected to disrupt VPS13B protein function with a positive predictive value of 80%. In summary, the available evidence is currently insufficient to determine the role of this variant in disease. Therefore, it has been classified as a Variant of Uncertain Significance.

NM_152564.5(VPS13B):c.7059T>G (p.Cys2353Trp)

Gene: VPS13B (vacuolar protein sorting 13 homolog B; plus strand). Cytogenetic location: 8q22.2.
Variant type: single nucleotide variant.
Coding change: c.7059T>G on transcript NM_152564.5 (MANE Select); coding-DNA position 7059, T replaced by G.
Protein change: p.Cys2353Trp; replaces cysteine 2353 with tryptophan.
Molecular consequence: missense variant.
Genome position (GRCh38, 1-based): chr8:99,766,782, T>G. VCF-style: chr8-99766782-T-G. GRCh37 (hg19) VCF-style: chr8-100779010-T-G.
Other names: c.7134T>G, p.Cys2378Trp (NM_017890.5); short protein forms C2353W, C2378W.
Identifiers: ClinVar variation 3660864 (VCV003660864.2).